The following is an entry in ClinVar:

ClinVar aggregate classification (germline): Uncertain significance (1 of 4 stars; one submission).

Submission:

GeneDx
Classification: Uncertain significance. Last evaluated: 2026-02-04. Review status: criteria provided, single submitter. Criteria: GeneDx Variant Classification Process June 2021. Collection method: clinical testing. Allele origin: germline.
Comment: Not observed at significant frequency in large population cohorts (gnomAD); In silico analysis supports that this missense variant has a deleterious effect on protein structure/function; Has not been previously published as pathogenic or benign to our knowledge

NM_015122.3(FCHO1):c.1772C>G (p.Ser591Cys)

Gene: FCHO1 (FCH and mu domain containing endocytic adaptor 1; plus strand). Cytogenetic location: 19p13.11.
Variant type: single nucleotide variant.
Coding change: c.1772C>G on transcript NM_015122.3 (MANE Select); coding-DNA position 1772, C replaced by G.
Protein change: p.Ser591Cys; replaces serine 591 with cysteine.
Molecular consequence: missense variant. On other transcripts: non-coding transcript variant (36).
Genome position (GRCh38, 1-based): chr19:17,781,483, C>G. VCF-style: chr19-17781483-C-G. GRCh37 (hg19) VCF-style: chr19-17892292-C-G.
Other names: c.1772C>G, p.Ser591Cys (NM_001161357.2, NM_001161358.2, NM_001384370.1 and 13 more transcripts); c.1622C>G, p.Ser541Cys (NM_001161359.2, NM_001384384.1, NM_001384385.1 and 1 more transcripts); c.1733C>G, p.Ser578Cys (NM_001384388.1, NM_001384389.1, NM_001384405.1); c.1697C>G, p.Ser566Cys (NM_001384390.1); c.1655C>G, p.Ser552Cys (NM_001384392.1, NM_001384393.1, NM_001384394.1 and 1 more transcripts); c.1496C>G, p.Ser499Cys (NM_001384396.1, NM_001384397.1, NM_001384398.1 and 5 more transcripts); c.1451C>G, p.Ser484Cys (NM_001384403.1); c.1346C>G, p.Ser449Cys (NM_001384406.1); and 1 more; short protein forms S401C, S449C, S484C, S499C, S541C, S552C, S566C, S578C.
Identifiers: ClinVar variation 4975706 (VCV004975706.1).
Genomic context (GRCh38, chr19:17,781,483, plus strand): 5'-ACAGCCAAGATTGTCTCTTTCCCTTCCAGTCTCGTTCCCTGAGCCCCTCCCCACTGGGCT[C>G]TTCAGCCGCCAGCACTGCCTTGGAACGGCCCAGCTTCTTATCCCAGACAGGACACGGTAT-3'
Protein context (NP_055937.1, residues 581-601): SRSLSPSPLG[Ser591Cys]SAASTALERP